The following is an entry in ClinVar:

ClinVar aggregate classification (germline): Uncertain significance (1 of 4 stars; one submission).

Submission:

Labcorp Genetics (formerly Invitae), Labcorp
Classification: Uncertain significance. Last evaluated: 2023-05-25. Review status: criteria provided, single submitter. Criteria: Invitae Variant Classification Sherloc (09022015). Collection method: clinical testing. Allele origin: germline.
Comment: In summary, the available evidence is currently insufficient to determine the role of this variant in disease. Therefore, it has been classified as a Variant of Uncertain Significance. Algorithms developed to predict the effect of sequence changes on RNA splicing suggest that this variant may disrupt the consensus splice site. This variant has not been reported in the literature in individuals affected with ZMYND11-related conditions. This variant is not present in population databases (gnomAD no frequency). This sequence change falls in intron 7 of the ZMYND11 gene. It does not directly change the encoded amino acid sequence of the ZMYND11 protein.

NM_001370100.5(ZMYND11):c.698-13_698-8del

Gene: ZMYND11 (zinc finger MYND-type containing 11; plus strand). Cytogenetic location: 10p15.3.
Variant type: Deletion.
Coding change: c.698-13_698-8del on transcript NM_001370100.5 (MANE Select); 13 bases into the intron before coding-DNA position 698 through 8 bases into the intron before coding-DNA position 698, 6 bases deleted (TTTTTA; older notation c.698-13_698-8delTTTTTA).
Molecular consequence: intron variant.
Genome position (GRCh38, 1-based): chr10:240,043-240,048, TTTTTA deleted; deleting any 6 consecutive bases within chr10:240,041-240,048 gives the same sequence; the c. name uses the placement nearest the transcript's 3' end. VCF-style (leftmost placement, unchanged base first): chr10-240040-CTATTTT-C. GRCh37 (hg19) VCF-style: chr10-285980-CTATTTT-C.
Other names: c.536-13_536-8del (NM_001370103.2, NM_001370104.2, NM_001370105.2 and 6 more transcripts); c.698-13_698-8del (NM_006624.7, NM_001370119.2, NM_001370098.2 and 6 more transcripts); c.578-13_578-8del (NM_001370118.2); c.605-13_605-8del (NM_001370113.2, NM_001370114.2); c.647-13_647-8del (NM_001330057.3, NM_001370112.2); c.698-16_698-11del (NM_001370115.2, NM_212479.4); c.536-16_536-11del (NM_001202466.3, NM_001370111.2); c.448-850_448-845del (NM_001370122.2); and 6 more.
Identifiers: ClinVar variation 2716969 (VCV002716969.3), dbSNP rs2539849124, ClinGen allele CA2697558230.
Genomic context (GRCh38, chr10:240,040, plus strand): 5'-GAAAGAAAAGGATAGTAACTTTGAGTCTTGTATTTGCAGACTATTGCTTATAGGTAATAT[CTATTTT>C]TAATTACAGCAGACAGTGAGCAAGCTGACATTGCGAGGATGCTATATAAAGACACATGTC-3'